The following is an entry in ClinVar:

NM_001384140.1(PCDH15):c.555del (p.Gln186fs)

Gene: PCDH15 (protocadherin related 15; minus strand). Cytogenetic location: 10q21.1.
Variant type: Deletion.
Coding change: c.555del on transcript NM_001384140.1 (MANE Select); coding-DNA position 555, one base deleted (A; older notation c.555delA).
Protein change: p.Gln186fs; shifts the reading frame from glutamine 186.
Molecular consequence: frameshift variant.
Genome position (GRCh38, 1-based): chr10:54,346,404, T deleted on the plus strand (A on the coding strand, the reverse complement: PCDH15 is on the minus strand). VCF-style (leftmost placement, unchanged base first): chr10-54346403-GT-G. GRCh37 (hg19) VCF-style: chr10-56106163-GT-G.
Other names: c.570del, p.Gln191fs (NM_001142763.2, NM_001142771.2); c.555del, p.Gln186fs (NM_001142764.2, NM_001142765.2, NM_001142766.2 and 8 more transcripts); c.489del, p.Gln164fs (NM_001142768.2, NM_001142773.2, NM_001354404.2); c.570delA, p.Gln191Argfs (NM_001142769.4); short protein forms Q164fs, Q186fs, Q191fs.
Identifiers: ClinVar variation 5015564 (VCV005015564.1).

ClinVar aggregate classification (germline): Pathogenic (1 of 4 stars; one submission).

Conditions:
Usher syndrome type 1F (USH1F). Also called: USHER SYNDROME, TYPE IF. Identifiers: Orphanet 231169, Orphanet 886, MedGen C1865885, MONDO:0011186, OMIM 602083.

Submission:

Myriad Genetics, Inc.
Classification: Pathogenic for Usher syndrome type 1F. Last evaluated: 2026-02-17. Review status: criteria provided, single submitter. Criteria: Myriad Autosomal Dominant, Autosomal Recessive and X-Linked Classification Criteria (2023). Collection method: clinical testing. Allele origin: unknown.
Comment: NM_033056.3(PCDH15):c.555delA(Q186Rfs*2) is expected to be pathogenic in the context of PCDH15-related disorders. This variant is predicted to lead to an abnormal or absent protein product due to the creation of a premature termination codon in PCDH15, a gene where loss-of-function variants are known to be pathogenic. Please note: this variant was assessed in the context of healthy population screening.